The following is an entry in ClinVar:

ClinVar aggregate classification (germline): Uncertain significance (1 of 4 stars; one submission).

Submission:

GeneDx
Classification: Uncertain significance. Last evaluated: 2019-06-28. Review status: criteria provided, single submitter. Criteria: GeneDx Variant Classification Process June 2021. Collection method: clinical testing. Allele origin: germline. Affected: yes.
Comment: Not observed at a significant frequency in large population cohorts (Lek et al., 2016); In silico analysis, which includes protein predictors and evolutionary conservation, supports a deleterious effect; Has not been previously published as pathogenic or benign to our knowledge

NM_001042492.3(NF1):c.586G>C (p.Glu196Gln)

Gene: NF1 (neurofibromin 1; plus strand). Cytogenetic location: 17q11.2.
Variant type: single nucleotide variant.
Coding change: c.586G>C on transcript NM_001042492.3 (MANE Select); coding-DNA position 586, G replaced by C.
Protein change: p.Glu196Gln; replaces glutamic acid 196 with glutamine.
Molecular consequence: missense variant.
Genome position (GRCh38, 1-based): chr17:31,169,997, G>C. VCF-style: chr17-31169997-G-C. GRCh37 (hg19) VCF-style: chr17-29497015-G-C.
Other names: c.586G>C, p.Glu196Gln (NM_000267.4, NM_001128147.3); short protein forms E196Q.
Identifiers: ClinVar variation 1315835 (VCV001315835.2), dbSNP rs876659079, ClinGen allele CA398985521.